The following is an entry in ClinVar:

NM_024675.4(PALB2):c.2587-11C>T

Gene: PALB2 (partner and localizer of BRCA2; minus strand). Cytogenetic location: 16p12.2.
Variant type: single nucleotide variant.
Coding change: c.2587-11C>T on transcript NM_024675.4 (MANE Select); 11 bases into the intron before coding-DNA position 2587, C replaced by T.
Molecular consequence: intron variant.
Genome position (GRCh38, 1-based): chr16:23,626,408, G>A on the plus strand (C>T on the coding strand, the complement: PALB2 is on the minus strand). VCF-style: chr16-23626408-G-A. GRCh37 (hg19) VCF-style: chr16-23637729-G-A.
Identifiers: ClinVar variation 925995 (VCV000925995.12), dbSNP rs1966842946, ClinGen allele CA1139664583.

ClinVar aggregate classification (germline): Likely benign. Review status: criteria provided, multiple submitters, no conflicts (2 of 4 stars). 3 submissions from 3 submitters: Likely benign (3). Last evaluated 2025-06-24.

Conditions:
Familial cancer of breast. Also called: BREAST CANCER, FAMILIAL; Hereditary breast cancer; hereditary breast carcinoma. Identifiers: Orphanet 227535, MedGen C0346153, MONDO:0016419, OMIM 114480. Disease mechanism: loss of function.
Hereditary cancer-predisposing syndrome. Also called: Neoplastic Syndromes, Hereditary; Tumor predisposition; Hereditary Cancer Syndrome; Hereditary neoplastic syndrome. Identifiers: Orphanet 140162, MedGen C0027672, MeSH D009386, MONDO:0015356.

Allele frequency attached by ClinVar (database versions not stated): gnomAD exomes below 0.00001.
gnomAD v4.1: 1 of 1,614,116 alleles (0.000062%); highest among the groups gnomAD compares: Non-Finnish European, 0.000085%; no homozygotes.

Submissions (3):

Labcorp Genetics (formerly Invitae), Labcorp
Classification: Likely benign for Familial cancer of breast. Last evaluated: 2025-06-24. Review status: criteria provided, single submitter. Criteria: Invitae Variant Classification Sherloc (09022015). Collection method: clinical testing. Allele origin: germline.

Myriad Genetics, Inc.
Classification: Likely benign for Familial cancer of breast. Last evaluated: 2025-01-16. Review status: criteria provided, single submitter. Criteria: Myriad Autosomal Dominant, Autosomal Recessive and X-Linked Classification Criteria (2023). Collection method: clinical testing. Allele origin: unknown.
Comment: This variant is considered likely benign. This variant is intronic and is not expected to impact mRNA splicing.

Color Diagnostics, LLC DBA Color Health
Classification: Likely benign for Hereditary cancer-predisposing syndrome. Last evaluated: 2019-10-22. Review status: criteria provided, single submitter. Criteria: ACMG Guidelines, 2015. Collection method: clinical testing. Allele origin: germline.